The following is an entry in ClinVar:

ClinVar aggregate classification (germline): Benign/Likely benign. Review status: criteria provided, multiple submitters, no conflicts (2 of 4 stars). 4 submissions from 4 submitters: Benign (1); Likely benign (3). Last evaluated 2024-09-11.

Conditions:
Hereditary cancer-predisposing syndrome. Also called: Tumor predisposition; Hereditary Cancer Syndrome; Hereditary neoplastic syndrome; Neoplastic Syndromes, Hereditary. Identifiers: Orphanet 140162, MedGen C0027672, MeSH D009386, MONDO:0015356.
Hereditary diffuse gastric adenocarcinoma (HDGC). Also called: DIFFUSE GASTRIC AND LOBULAR BREAST CANCER SYNDROME. Identifiers: Orphanet 26106, MedGen C1708349, MONDO:0007648, OMIM 137215.

Submissions (4):

Myriad Genetics, Inc.
Classification: Benign for Hereditary diffuse gastric adenocarcinoma. Last evaluated: 2024-09-11. Review status: criteria provided, single submitter. Criteria: Myriad Autosomal Dominant, Autosomal Recessive and X-Linked Classification Criteria (2023). Collection method: clinical testing. Allele origin: unknown.
Comment: This variant is considered benign. This variant is a silent/synonymous amino acid change and it is not expected to impact splicing.

Labcorp Genetics (formerly Invitae), Labcorp
Classification: Likely benign for Hereditary diffuse gastric adenocarcinoma. Last evaluated: 2023-12-04. Review status: criteria provided, single submitter. Criteria: Invitae Variant Classification Sherloc (09022015). Collection method: clinical testing. Allele origin: germline.

Ambry Genetics
Classification: Likely benign for Hereditary cancer-predisposing syndrome. Last evaluated: 2021-06-18. Review status: criteria provided, single submitter. Criteria: Ambry Variant Classification Scheme 2023. Collection method: clinical testing. Allele origin: germline.

Color Diagnostics, LLC DBA Color Health
Classification: Likely benign for Hereditary cancer-predisposing syndrome. Last evaluated: 2019-05-22. Review status: criteria provided, single submitter. Criteria: ACMG Guidelines, 2015. Collection method: clinical testing. Allele origin: germline.

NM_004360.5(CDH1):c.153C>T (p.Val51=)

Gene: CDH1 (cadherin 1; plus strand). Cytogenetic location: 16q22.1.
Variant type: single nucleotide variant.
Coding change: c.153C>T on transcript NM_004360.5 (MANE Select); coding-DNA position 153, C replaced by T.
Protein change: p.Val51=; no amino-acid change (valine 51 retained).
Molecular consequence: synonymous variant. On other transcripts: 5 prime UTR variant (2).
Genome position (GRCh38, 1-based): chr16:68,738,401, C>T. VCF-style: chr16-68738401-C-T. GRCh37 (hg19) VCF-style: chr16-68772304-C-T.
Other names: c.153C>T (LRG_301t1); c.153C>T, p.Val51= (NM_001317184.2); c.-1463C>T (NM_001317185.2); c.-1667C>T (NM_001317186.2).
Identifiers: ClinVar variation 184075 (VCV000184075.15), dbSNP rs786201265, ClinGen allele CA187707.